The following is an entry in ClinVar:

NM_005733.3(KIF20A):c.1807C>T (p.Arg603Trp)

Gene: KIF20A (kinesin family member 20A; plus strand). Cytogenetic location: 5q31.2.
Variant type: single nucleotide variant.
Coding change: c.1807C>T on transcript NM_005733.3 (MANE Select); coding-DNA position 1807, C replaced by T.
Protein change: p.Arg603Trp; replaces arginine 603 with tryptophan.
Molecular consequence: missense variant.
Genome position (GRCh38, 1-based): chr5:138,184,930, C>T. VCF-style: chr5-138184930-C-T. GRCh37 (hg19) VCF-style: chr5-137520619-C-T.
Other names: short protein forms R603W.
Identifiers: ClinVar variation 4092443 (VCV004092443.2).
Genomic context (GRCh38, chr5:138,184,930, plus strand): 5'-CAGCTGGAGATGCATCTCCGAGATGAAATTTGCAATGAGATGGTAGAACAGATGCAACAG[C>T]GGGAACAGTGGTGCAGGTACTAGCTGAGTGACCCCTCTTGCTCTGTCACCTGAGACAGAG-3'
Protein context (NP_005724.1, residues 593-613): CNEMVEQMQQ[Arg603Trp]EQWCSEHLDT

ClinVar aggregate classification (germline): Uncertain significance. Review status: criteria provided, multiple submitters, no conflicts (2 of 4 stars). 2 submissions from 2 submitters: Uncertain significance (2). Last evaluated 2025-08-23.

gnomAD v4.1: 11 of 1,613,976 alleles (0.00068%); highest among the groups gnomAD compares: South Asian, 0.0044%; no homozygotes.

Submissions (2):

Ambry Genetics
Classification: Uncertain significance. Last evaluated: 2025-08-23. Review status: criteria provided, single submitter. Criteria: Ambry Variant Classification Scheme 2023. Collection method: clinical testing. Allele origin: germline.

Labcorp Genetics (formerly Invitae), Labcorp
Classification: Uncertain significance. Last evaluated: 2025-06-08. Review status: criteria provided, single submitter. Criteria: Invitae Variant Classification Sherloc (09022015). Collection method: clinical testing. Allele origin: germline.
Comment: This sequence change replaces arginine, which is basic and polar, with tryptophan, which is neutral and slightly polar, at codon 603 of the KIF20A protein (p.Arg603Trp). This variant is present in population databases (no rsID available, gnomAD 0.003%). This variant has not been reported in the literature in individuals affected with KIF20A-related conditions. An algorithm developed to predict the effect of missense changes on protein structure and function (PolyPhen-2) suggests that this variant is likely to be disruptive. In summary, the available evidence is currently insufficient to determine the role of this variant in disease. Therefore, it has been classified as a Variant of Uncertain Significance.